The following is an entry in ClinVar:

NM_005902.4(SMAD3):c.827A>G (p.Asn276Ser)

Gene: SMAD3 (SMAD family member 3; plus strand). Cytogenetic location: 15q22.33.
Variant type: single nucleotide variant.
Coding change: c.827A>G on transcript NM_005902.4 (MANE Select); coding-DNA position 827, A replaced by G.
Protein change: p.Asn276Ser; replaces asparagine 276 with serine.
Molecular consequence: missense variant.
Genome position (GRCh38, 1-based): chr15:67,181,409, A>G. VCF-style: chr15-67181409-A-G. GRCh37 (hg19) VCF-style: chr15-67473747-A-G.
Other names: c.827A>G (NM_005902.3); c.512A>G, p.Asn171Ser (NM_001145102.2, NM_001407016.1); c.695A>G, p.Asn232Ser (NM_001145103.2, NM_001407012.1); c.242A>G, p.Asn81Ser (NM_001145104.2, NM_001407017.1); c.827A>G, p.Asn276Ser (NM_001407011.1, NM_001407013.1); c.680A>G, p.Asn227Ser (NM_001407014.1); c.380A>G, p.Asn127Ser (NM_001407015.1); short protein forms N232S, N276S, N227S, N81S, N127S, N171S.
Identifiers: ClinVar variation 2978575 (VCV002978575.5), dbSNP rs753302359, ClinGen allele CA062711.

ClinVar aggregate classification (germline): Uncertain significance. Review status: criteria provided, multiple submitters, no conflicts (2 of 4 stars). 3 submissions from 3 submitters: Uncertain significance (3). Last evaluated 2025-08-19.

Conditions:
Familial thoracic aortic aneurysm and aortic dissection (TAAD). Also called: Thoracic aortic aneurysms and dissections. Identifiers: Orphanet 91387, MedGen C4707243, MONDO:0019625.
Aneurysm-osteoarthritis syndrome. Also called: ANEURYSMS-OSTEOARTHRITIS SYNDROME; SMAD3-Related Loeys-Dietz Syndrome; Loeys-Dietz syndrome, type 1C; LOEYS-DIETZ SYNDROME WITH OSTEOARTHRITIS. Identifiers: Orphanet 284984, MedGen C3151087, MONDO:0013426, OMIM 613795.

Allele frequency attached by ClinVar (database versions not stated): gnomAD exomes below 0.00001; ExAC 0.00001; TOPMed 0.00001.
gnomAD v4.1: 2 of 1,614,022 alleles (0.00012%); highest among the groups gnomAD compares: Admixed American, 0.0017%; no homozygotes.

Submissions (3):

Ambry Genetics
Classification: Uncertain significance for Familial thoracic aortic aneurysm and aortic dissection. Last evaluated: 2025-08-19. Review status: criteria provided, single submitter. Criteria: Ambry Variant Classification Scheme 2023. Collection method: clinical testing. Allele origin: germline.
Comment: The p.N276S variant (also known as c.827A>G), located in coding exon 6 of the SMAD3 gene, results from an A to G substitution at nucleotide position 827. The asparagine at codon 276 is replaced by serine, an amino acid with highly similar properties. This amino acid position is conserved. In addition, the in silico prediction for this alteration is inconclusive. Based on the available evidence, the clinical significance of this variant remains unclear.

Labcorp Genetics (formerly Invitae), Labcorp
Classification: Uncertain significance for Familial thoracic aortic aneurysm and aortic dissection. Last evaluated: 2025-07-02. Review status: criteria provided, single submitter. Criteria: Invitae Variant Classification Sherloc (09022015). Collection method: clinical testing. Allele origin: germline.
Comment: This sequence change replaces asparagine, which is neutral and polar, with serine, which is neutral and polar, at codon 276 of the SMAD3 protein (p.Asn276Ser). This variant is present in population databases (rs753302359, gnomAD 0.003%). This variant has not been reported in the literature in individuals affected with SMAD3-related conditions. ClinVar contains an entry for this variant (Variation ID: 2978575). Invitae Evidence Modeling of protein sequence and biophysical properties (such as structural, functional, and spatial information, amino acid conservation, physicochemical variation, residue mobility, and thermodynamic stability) has been performed for this missense variant. However, the output from this modeling did not meet the statistical confidence thresholds required to predict the impact of this variant on SMAD3 protein function. In summary, the available evidence is currently insufficient to determine the role of this variant in disease. Therefore, it has been classified as a Variant of Uncertain Significance.

All of Us Research Program, National Institutes of Health
Classification: Uncertain significance for Aneurysm-osteoarthritis syndrome. Last evaluated: 2023-08-28. Review status: criteria provided, single submitter. Criteria: ACMG Guidelines, 2015. Collection method: clinical testing. Allele origin: germline. Inheritance: Autosomal dominant inheritance. Observed: 1 variant allele, 1 heterozygote.
Comment: This missense variant replaces asparagine with serine at codon 276 of the SMAD3 protein. Computational prediction suggests that this variant may have a deleterious impact on protein structure and function (internally defined REVEL score threshold >= 0.7, PMID: 27666373). To our knowledge, functional studies have not been reported for this variant. This variant has not been reported in individuals affected with SMAD3-related disorders in the literature. This variant has been identified in 1/251068 chromosomes in the general population by the Genome Aggregation Database (gnomAD). The available evidence is insufficient to determine the role of this variant in disease conclusively. Therefore, this variant is classified as a Variant of Uncertain Significance.

This study involves interpretation of variants in research participants for the purpose of population health screening. Participant phenotype was not available at the time of variant classification. Additional details can be found in publication PMID: 35346344, PMCID: PMC8962531